The following is an entry in ClinVar:

NM_006662.3(SRCAP):c.9472C>T (p.Gln3158Ter)

Gene: SRCAP (Snf2 related CREBBP activator protein; plus strand). Cytogenetic location: 16p11.2.
Variant type: single nucleotide variant.
Coding change: c.9472C>T on transcript NM_006662.3 (MANE Select); coding-DNA position 9472, C replaced by T.
Protein change: p.Gln3158Ter; replaces glutamine 3158 with a stop codon.
Molecular consequence: nonsense.
Genome position (GRCh38, 1-based): chr16:30,739,512, C>T. VCF-style: chr16-30739512-C-T. GRCh37 (hg19) VCF-style: chr16-30750833-C-T.
Other names: short protein forms Q3158*.
Identifiers: ClinVar variation 1708701 (VCV001708701.4), dbSNP rs926884468, ClinGen allele CA280525858.
Genomic context (GRCh38, chr16:30,739,512, plus strand): 5'-CGCAAACGAGCAGGGGCCCCAGTTGGTGGGAGTCCTGGGCTGGCAAAGCGGGGCCGCCTA[C>T]AGCCCCCAAGTCCCCTGGGGCCTGAGGGTTCAGTAGAGGAGTCTGAGGCTGAAGCCTCAG-3'

ClinVar aggregate classification (germline): Uncertain significance. Review status: criteria provided, multiple submitters, no conflicts (2 of 4 stars). 2 submissions from 2 submitters: Uncertain significance (2). Last evaluated 2023-08-04.

Allele frequency attached by ClinVar (database versions not stated): gnomAD exomes below 0.00001.
gnomAD v4.1: 3 of 1,612,888 alleles (0.00019%); highest among the groups gnomAD compares: Non-Finnish European, 0.00025%; no homozygotes.

Submissions (2):

Centre of Medical Genetics, University Hospital Muenster
Classification: Uncertain significance. Last evaluated: 2023-08-04. Review status: criteria provided, single submitter. Criteria: ACMG Guidelines, 2015. Collection method: clinical testing. Allele origin: unknown. Affected: yes. Observed: 1 variant allele, 1 heterozygote.
Comment: ACMG categories: PM2

GeneDx
Classification: Uncertain significance. Last evaluated: 2022-03-26. Review status: criteria provided, single submitter. Criteria: GeneDx Variant Classification Process June 2021. Collection method: clinical testing. Allele origin: germline. Affected: yes.
Comment: Nonsense variant predicted to result in protein truncation, as the last 73 amino acids are lost, and other loss-of-function variants have been reported downstream in the Human Gene Mutation Database (HGMD); Has not been previously published as pathogenic or benign to our knowledge